The following is an entry in ClinVar:

ClinVar aggregate classification (germline): Uncertain significance (1 of 4 stars; one submission).

Conditions:
Kabuki syndrome. Also called: NIIKAWA-KUROKI SYNDROME; Kabuki make-up syndrome. Identifiers: Orphanet 2322, MedGen C0796004, MONDO:0016512.

Allele frequency attached by ClinVar (database versions not stated): gnomAD exomes below 0.00001; TOPMed below 0.00001.
gnomAD v4.1: 1 of 1,608,442 alleles (0.000062%); highest among the groups gnomAD compares: Non-Finnish European, 0.000085%; no homozygotes.

Submission:

Labcorp Genetics (formerly Invitae), Labcorp
Classification: Uncertain significance for Kabuki syndrome. Last evaluated: 2025-08-18. Review status: criteria provided, single submitter. Criteria: Invitae Variant Classification Sherloc (09022015). Collection method: clinical testing. Allele origin: germline.
Comment: This sequence change replaces alanine, which is neutral and non-polar, with serine, which is neutral and polar, at codon 2875 of the KMT2D protein (p.Ala2875Ser). This variant is not present in population databases (gnomAD no frequency). This variant has not been reported in the literature in individuals affected with KMT2D-related conditions. ClinVar contains an entry for this variant (Variation ID: 1470363). Invitae Evidence Modeling of protein sequence and biophysical properties (such as structural, functional, and spatial information, amino acid conservation, physicochemical variation, residue mobility, and thermodynamic stability) indicates that this missense variant is not expected to disrupt KMT2D protein function with a negative predictive value of 95%. In summary, the available evidence is currently insufficient to determine the role of this variant in disease. Therefore, it has been classified as a Variant of Uncertain Significance.

NM_003482.4(KMT2D):c.8623G>T (p.Ala2875Ser)

Gene: KMT2D (lysine methyltransferase 2D; minus strand). Cytogenetic location: 12q13.12.
Variant type: single nucleotide variant.
Coding change: c.8623G>T on transcript NM_003482.4 (MANE Select); coding-DNA position 8623, G replaced by T.
Protein change: p.Ala2875Ser; replaces alanine 2875 with serine.
Molecular consequence: missense variant.
Genome position (GRCh38, 1-based): chr12:49,038,733, C>A on the plus strand (G>T on the coding strand, the complement: KMT2D is on the minus strand). VCF-style: chr12-49038733-C-A. GRCh37 (hg19) VCF-style: chr12-49432516-C-A.
Other names: short protein forms A2875S.
Identifiers: ClinVar variation 1470363 (VCV001470363.8), dbSNP rs1943344198, ClinGen allele CA384741503.